The following is an entry in ClinVar:

ClinVar aggregate classification (germline): Uncertain significance (1 of 4 stars; one submission).

Conditions:
Autoimmune interstitial lung disease-arthritis syndrome. Also called: Autoinflammation and autoimmunity, systemic, with immune dysregulation. Identifiers: Orphanet 444092, MedGen C5975714, MONDO:0014629.

Submission:

Labcorp Genetics (formerly Invitae), Labcorp
Classification: Uncertain significance for Autoimmune interstitial lung disease-arthritis syndrome. Last evaluated: 2018-11-14. Review status: criteria provided, single submitter. Criteria: Invitae Variant Classification Sherloc (09022015). Collection method: clinical testing. Allele origin: germline.
Comment: This variant has not been reported in the literature in individuals with COPA-related disease. Algorithms developed to predict the effect of missense changes on protein structure and function are either unavailable or do not agree on the potential impact of this missense change (SIFT: "Tolerated"; PolyPhen-2: "Possibly Damaging"; Align-GVGD: "Class C0"). This sequence change replaces valine with alanine at codon 491 of the COPA protein (p.Val491Ala). The valine residue is highly conserved and there is a small physicochemical difference between valine and alanine. This variant is not present in population databases (ExAC no frequency). In summary, the available evidence is currently insufficient to determine the role of this variant in disease. Therefore, it has been classified as a Variant of Uncertain Significance.

NM_004371.4(COPA):c.1472T>C (p.Val491Ala)

Gene: COPA (coat protein complex I subunit alpha; minus strand). Cytogenetic location: 1q23.2.
Variant type: single nucleotide variant.
Coding change: c.1472T>C on transcript NM_004371.4 (MANE Select); coding-DNA position 1472, T replaced by C.
Protein change: p.Val491Ala; replaces valine 491 with alanine.
Molecular consequence: missense variant.
Genome position (GRCh38, 1-based): chr1:160,305,744, A>G on the plus strand (T>C on the coding strand, the complement: COPA is on the minus strand). VCF-style: chr1-160305744-A-G. GRCh37 (hg19) VCF-style: chr1-160275534-A-G.
Other names: c.1472T>C, p.Val491Ala (LRG_1336t1, NM_001098398.2); short protein forms V491A.
Identifiers: ClinVar variation 649894 (VCV000649894.8), dbSNP rs1571158645, ClinGen allele CA343255068.